The following is an entry in ClinVar:

NM_017763.6(RNF43):c.2186T>G (p.Leu729Arg)

Gene: RNF43 (ring finger protein 43; minus strand). Cytogenetic location: 17q22.
Variant type: single nucleotide variant.
Coding change: c.2186T>G on transcript NM_017763.6 (MANE Select); coding-DNA position 2186, T replaced by G.
Protein change: p.Leu729Arg; replaces leucine 729 with arginine.
Molecular consequence: missense variant.
Genome position (GRCh38, 1-based): chr17:58,357,590, A>C on the plus strand (T>G on the coding strand, the complement: RNF43 is on the minus strand). VCF-style: chr17-58357590-A-C. GRCh37 (hg19) VCF-style: chr17-56434951-A-C.
Other names: c.2186T>G, p.Leu729Arg (NM_001305544.3, NM_001438820.1, NM_001438821.1 and 1 more transcripts); c.1805T>G, p.Leu602Arg (NM_001305545.2, NM_001437987.1); short protein forms L602R, L729R.
Identifiers: ClinVar variation 4863436 (VCV004863436.1).

ClinVar aggregate classification (germline): Uncertain significance (1 of 4 stars; one submission).

Submission:

Ambry Genetics
Classification: Uncertain significance. Last evaluated: 2026-06-09. Review status: criteria provided, single submitter. Criteria: Ambry Variant Classification Scheme 2023. Collection method: clinical testing. Allele origin: germline.
Comment: The p.L729R variant (also known as c.2186T>G), located in coding exon 8 of the RNF43 gene, results from a T to G substitution at nucleotide position 2186. The leucine at codon 729 is replaced by arginine, an amino acid with dissimilar properties. This amino acid position is conserved. In addition, this alteration is predicted to be tolerated by in silico analysis. Based on the available evidence, the clinical significance of this variant remains unclear.